The following is an entry in ClinVar:

NM_000051.4(ATM):c.6871T>G (p.Trp2291Gly)

Genes: C11orf65 (chromosome 11 open reading frame 65; minus strand), ATM (ATM serine/threonine kinase; plus strand). Cytogenetic location: 11q22.3.
Variant type: single nucleotide variant.
Coding change: c.6871T>G on transcript NM_000051.4 (MANE Select); coding-DNA position 6871, T replaced by G.
Protein change: p.Trp2291Gly; replaces tryptophan 2291 with glycine.
Molecular consequence: missense variant. On other transcripts: intron variant (2).
Genome position (GRCh38, 1-based): chr11:108,326,121, T>G. VCF-style: chr11-108326121-T-G. GRCh37 (hg19) VCF-style: chr11-108196848-T-G.
Other names: c.6871T>G, p.Trp2291Gly (NM_001351834.2); c.641-17050A>C (NM_001330368.2); c.*38+9099A>C (NM_001351110.2); short protein forms W2291G.
Identifiers: ClinVar variation 1714289 (VCV001714289.6), dbSNP rs746815819, ClinGen allele CA382556774.

ClinVar aggregate classification (germline): Uncertain significance (1 of 4 stars; one submission).

Conditions:
Ataxia-telangiectasia syndrome (AT). Also called: Ataxia telangiectasia (A-T); LOUIS-BAR SYNDROME; Cerebello-oculocutaneous telangiectasia; Immunodeficiency with ataxia telangiectasia; Ataxia-telangiectasia, complementation group D; AT, COMPLEMENTATION GROUP C. Identifiers: Orphanet 100, MedGen C0004135, MONDO:0008840, OMIM 208900.

Submission:

Labcorp Genetics (formerly Invitae), Labcorp
Classification: Uncertain significance for Ataxia-telangiectasia syndrome. Last evaluated: 2022-07-29. Review status: criteria provided, single submitter. Criteria: Invitae Variant Classification Sherloc (09022015). Collection method: clinical testing. Allele origin: germline.
Comment: In summary, the available evidence is currently insufficient to determine the role of this variant in disease. Therefore, it has been classified as a Variant of Uncertain Significance. Algorithms developed to predict the effect of missense changes on protein structure and function are either unavailable or do not agree on the potential impact of this missense change (SIFT: "Tolerated"; PolyPhen-2: "Probably Damaging"; Align-GVGD: "Class C0"). This variant has not been reported in the literature in individuals affected with ATM-related conditions. This variant is not present in population databases (gnomAD no frequency). This sequence change replaces tryptophan, which is neutral and slightly polar, with glycine, which is neutral and non-polar, at codon 2291 of the ATM protein (p.Trp2291Gly).